The following is an entry in ClinVar:

ClinVar aggregate classification (germline): Likely benign (1 of 4 stars; one submission).

Submission:

CeGaT Center for Human Genetics Tuebingen
Classification: Likely benign. Last evaluated: 2026-05-01. Review status: criteria provided, single submitter. Criteria: CeGaT Center For Human Genetics Tuebingen Variant Classification Criteria Version 2. Collection method: clinical testing. Allele origin: germline. Affected: yes. Observed: 1 variant allele.
Comment: PLIN4: BS1

NM_001367868.2(PLIN4):c.3260_3263dup (p.Phe1089fs)

Gene: PLIN4 (perilipin 4; minus strand). Cytogenetic location: 19p13.3.
Variant type: Duplication.
Coding change: c.3260_3263dup on transcript NM_001367868.2 (MANE Select); coding-DNA positions 3260 to 3263, 4 bases duplicated (CCCC; older notation c.3260_3263dupCCCC).
Protein change: p.Phe1089fs; shifts the reading frame from phenylalanine 1089.
Molecular consequence: frameshift variant.
Genome position (GRCh38, 1-based): chr19:4,510,697-4,510,700, GGGG duplicated on the plus strand (CCCC on the coding strand, the reverse complement: PLIN4 is on the minus strand). VCF-style (leftmost placement, unchanged base first): chr19-4510696-C-CGGGG. GRCh37 (hg19) VCF-style: chr19-4510708-C-CGGGG.
Other names: c.3263_3266dup, p.Phe1090fs (NM_001393888.1, NM_001393889.1); c.3260_3263dup, p.Phe1089fs (NM_001393890.1, NM_001393891.1); short protein forms F1089fs, F1090fs.
Identifiers: ClinVar variation 4872228 (VCV004872228.2).